The following is an entry in ClinVar:

ClinVar aggregate classification (germline): Uncertain significance (1 of 4 stars; one submission).

Conditions:
UBR4-related disorder. Also called: UBR4-related condition.

gnomAD v4.1: 375 of 1,614,154 alleles (0.023%); highest among the groups gnomAD compares: Middle Eastern, 0.033%; no homozygotes.

Submission:

PreventionGenetics, part of Exact Sciences
Classification: Uncertain significance for UBR4-related condition. Last evaluated: 2025-08-07. Review status: criteria provided, single submitter. Criteria: ACMG Guidelines, 2015. Collection method: clinical testing. Allele origin: germline.
Comment: The UBR4 c.5288C>T variant is predicted to result in the amino acid substitution p.Ser1763Leu. To our knowledge, this variant has not been reported in the literature. This variant is reported in 0.043% of alleles in individuals of European (Non-Finnish) descent in gnomAD. At this time, the clinical significance of this variant is uncertain due to the absence of conclusive functional and genetic evidence.

NM_020765.3(UBR4):c.5288C>T (p.Ser1763Leu)

Genes: UBR4 (ubiquitin protein ligase E3 component n-recognin 4; minus strand), LOC126805644 (BRD4-independent group 4 enhancer GRCh37_chr1:19487245-19488444; plus strand). Cytogenetic location: 1p36.13.
Variant type: single nucleotide variant.
Coding change: c.5288C>T on transcript NM_020765.3 (MANE Select); coding-DNA position 5288, C replaced by T.
Protein change: p.Ser1763Leu; replaces serine 1763 with leucine.
Molecular consequence: missense variant.
Genome position (GRCh38, 1-based): chr1:19,161,035, G>A on the plus strand (C>T on the coding strand, the complement: UBR4 is on the minus strand). VCF-style: chr1-19161035-G-A. GRCh37 (hg19) VCF-style: chr1-19487529-G-A.
Other names: short protein forms S1763L.
Identifiers: ClinVar variation 4985567 (VCV004985567.1).